The following is an entry in ClinVar:

ClinVar aggregate classification (germline): Likely benign (1 of 4 stars; one submission).

Submission:

CeGaT Center for Human Genetics Tuebingen
Classification: Likely benign. Last evaluated: 2026-07-01. Review status: criteria provided, single submitter. Criteria: CeGaT Center For Human Genetics Tuebingen Variant Classification Criteria Version 2. Collection method: clinical testing. Allele origin: germline. Affected: yes. Observed: 1 variant allele.
Comment: CACNA1S: PM2:Supporting, BP4, BP7

NM_000069.3(CACNA1S):c.5154T>C (p.Cys1718=)

Gene: CACNA1S (calcium voltage-gated channel subunit alpha1 S; minus strand). Cytogenetic location: 1q32.1.
Variant type: single nucleotide variant.
Coding change: c.5154T>C on transcript NM_000069.3 (MANE Select); coding-DNA position 5154, T replaced by C.
Protein change: p.Cys1718=; no amino-acid change (cysteine 1718 retained).
Molecular consequence: synonymous variant.
Genome position (GRCh38, 1-based): chr1:201,040,694, A>G on the plus strand (T>C on the coding strand, the complement: CACNA1S is on the minus strand). VCF-style: chr1-201040694-A-G. GRCh37 (hg19) VCF-style: chr1-201009822-A-G.
Identifiers: ClinVar variation 5040257 (VCV005040257.1).